The following is an entry in ClinVar:

ClinVar aggregate classification (germline): Uncertain significance. Review status: criteria provided, multiple submitters, no conflicts (2 of 4 stars). 2 submissions from 2 submitters: Uncertain significance (2). Last evaluated 2025-01-20.

Conditions:
Inborn genetic diseases. Identifiers: MedGen C0950123, MeSH D030342.

Allele frequency attached by ClinVar (database versions not stated): gnomAD 0.00001 and 0.00002; gnomAD exomes 0.00001 and 0.00002; TOPMed 0.00001; ExAC 0.00002.
gnomAD v4.1: 17 of 1,613,638 alleles (0.0011%); highest among the groups gnomAD compares: Admixed American, 0.0033%; no homozygotes.

Submissions (2):

Ambry Genetics
Classification: Uncertain significance for Inborn genetic diseases. Last evaluated: 2025-01-20. Review status: criteria provided, single submitter. Criteria: Ambry Variant Classification Scheme 2023. Collection method: clinical testing. Allele origin: germline.

Labcorp Genetics (formerly Invitae), Labcorp
Classification: Uncertain significance. Last evaluated: 2024-10-07. Review status: criteria provided, single submitter. Criteria: Invitae Variant Classification Sherloc (09022015). Collection method: clinical testing. Allele origin: germline.
Comment: This sequence change replaces leucine, which is neutral and non-polar, with proline, which is neutral and non-polar, at codon 1026 of the ADAMTS18 protein (p.Leu1026Pro). This variant is present in population databases (rs780554901, gnomAD 0.004%). This variant has not been reported in the literature in individuals affected with ADAMTS18-related conditions. ClinVar contains an entry for this variant (Variation ID: 1036518). An algorithm developed to predict the effect of missense changes on protein structure and function (PolyPhen-2) suggests that this variant is likely to be disruptive. In summary, the available evidence is currently insufficient to determine the role of this variant in disease. Therefore, it has been classified as a Variant of Uncertain Significance.

NM_199355.4(ADAMTS18):c.3077T>C (p.Leu1026Pro)

Gene: ADAMTS18 (ADAM metallopeptidase with thrombospondin type 1 motif 18; minus strand). Cytogenetic location: 16q23.1.
Variant type: single nucleotide variant.
Coding change: c.3077T>C on transcript NM_199355.4 (MANE Select); coding-DNA position 3077, T replaced by C.
Protein change: p.Leu1026Pro; replaces leucine 1026 with proline.
Molecular consequence: missense variant.
Genome position (GRCh38, 1-based): chr16:77,293,188, A>G on the plus strand (T>C on the coding strand, the complement: ADAMTS18 is on the minus strand). VCF-style: chr16-77293188-A-G. GRCh37 (hg19) VCF-style: chr16-77327085-A-G.
Other names: c.2561T>C, p.Leu854Pro (NM_001326358.2); c.3077T>C (NM_199355.2); short protein forms L1026P, L854P.
Identifiers: ClinVar variation 1036518 (VCV001036518.9), dbSNP rs780554901, ClinGen allele CA8180620.